The following is an entry in ClinVar:

ClinVar aggregate classification (germline): Pathogenic/Likely pathogenic. Review status: criteria provided, multiple submitters, no conflicts (2 of 4 stars). 4 submissions from 4 submitters: Pathogenic (3); Likely pathogenic (1). Last evaluated 2026-02-12.

Conditions:
Hypophosphatasia. Also called: Phosphoethanol-aminuria. Identifiers: Orphanet 436, MedGen C0020630, MeSH D007014, MONDO:0018570.
Adult hypophosphatasia. Identifiers: Orphanet 247676, Orphanet 436, MedGen C0268413, MONDO:1010154, OMIM 146300, MONDO:0007798.

Submissions (4):

JKU Lab, Dept of Paediatrics, Johannes Kepler University
Classification: Likely pathogenic for Hypophosphatasia. Last evaluated: 2026-02-12. Review status: criteria provided, single submitter. Criteria: ACMG Guidelines, 2015. Collection method: curation. Allele origin: germline. Affected: yes.
Comment: This nonsense variant is not present in GnomAD 4.1 and affects a highly conserved amino acid. The REVEL score is not aplicable. Splice-prediction algorithms predict no effect on splicing. This variant has been reported in the literature in individuals affected with ALPL-related conditions (PMID:37600704).

Genomenon, Inc
Classification: Pathogenic for Hypophosphatasia. Last evaluated: 2025-08-29. Review status: criteria provided, single submitter. Criteria: Genomenon Sequence Variant Interpretation Standards. Collection method: curation. Allele origin: germline. Affected: yes.
Comment: ALPL p.Tyr285Ter (c.855C>G) is a nonsense variant that introduces a premature stop codon at amino acid position 285, creating a truncated protein that is predicted to undergo nonsense-mediated mRNA decay. This variant has been observed in at least one proband affected with hypophosphatasia (PMID:37600704). It is absent or not present at a significant frequency in gnomAD. In conclusion, we classify ALPL p.Tyr285Ter (c.855C>G) as a pathogenic variant.

Baylor Genetics
Classification: Pathogenic for Adult hypophosphatasia. Last evaluated: 2024-02-28. Review status: criteria provided, single submitter. Criteria: ACMG Guidelines, 2015. Collection method: clinical testing. Allele origin: unknown.

Labcorp Genetics (formerly Invitae), Labcorp
Classification: Pathogenic. Last evaluated: 2022-05-14. Review status: criteria provided, single submitter. Criteria: Invitae Variant Classification Sherloc (09022015). Collection method: clinical testing. Allele origin: germline.
Comment: For these reasons, this variant has been classified as Pathogenic. This variant has not been reported in the literature in individuals affected with ALPL-related conditions. This variant is not present in population databases (gnomAD no frequency). This sequence change creates a premature translational stop signal (p.Tyr285*) in the ALPL gene. It is expected to result in an absent or disrupted protein product. Loss-of-function variants in ALPL are known to be pathogenic (PMID: 3174660, 10679946, 19500388).

Literature cited by the submitters: PubMed 37600704 (cited by JKU Lab, Dept of Paediatrics, Johannes Kepler University and Genomenon, Inc); PubMed 3174660 (cited by Labcorp Genetics (formerly Invitae), Labcorp); PubMed 10679946 (cited by Labcorp Genetics (formerly Invitae), Labcorp); PubMed 19500388 (cited by Labcorp Genetics (formerly Invitae), Labcorp).

NM_000478.6(ALPL):c.855C>G (p.Tyr285Ter)

Gene: ALPL (alkaline phosphatase, biomineralization associated; plus strand). Cytogenetic location: 1p36.12.
Variant type: single nucleotide variant.
Coding change: c.855C>G on transcript NM_000478.6 (MANE Select); coding-DNA position 855, C replaced by G.
Protein change: p.Tyr285Ter; replaces tyrosine 285 with a stop codon.
Molecular consequence: nonsense.
Genome position (GRCh38, 1-based): chr1:21,570,367, C>G. VCF-style: chr1-21570367-C-G. GRCh37 (hg19) VCF-style: chr1-21896860-C-G.
Other names: c.690C>G, p.Tyr230Ter (NM_001127501.4); c.624C>G, p.Tyr208Ter (NM_001177520.3); c.855C>G, p.Tyr285Ter (NM_001369803.2, NM_001369804.2, NM_001369805.2); short protein forms Y285*, Y208*, Y230*.
Identifiers: ClinVar variation 1994421 (VCV001994421.7), dbSNP rs2545324707, ClinGen allele CA338880003.